The following is an entry in ClinVar:

NM_000059.4(BRCA2):c.9670A>G (p.Ile3224Val)

Gene: BRCA2 (BRCA2 DNA repair associated; plus strand). Cytogenetic location: 13q13.1.
Variant type: single nucleotide variant.
Coding change: c.9670A>G on transcript NM_000059.4 (MANE Select); coding-DNA position 9670, A replaced by G.
Protein change: p.Ile3224Val; replaces isoleucine 3224 with valine.
Molecular consequence: missense variant.
Genome position (GRCh38, 1-based): chr13:32,398,183, A>G. VCF-style: chr13-32398183-A-G. GRCh37 (hg19) VCF-style: chr13-32972320-A-G.
Other names: short protein forms I3224V.
Identifiers: ClinVar variation 96888 (VCV000096888.23), dbSNP rs374321381, ClinGen allele CA026262.

ClinVar aggregate classification (germline): Uncertain significance. Review status: criteria provided, multiple submitters, no conflicts (2 of 4 stars). 6 submissions from 6 submitters: Uncertain significance (5). 1 of the submissions does not count toward it. Last evaluated 2025-09-14.

Conditions:
Hereditary cancer-predisposing syndrome. Also called: Hereditary Cancer Syndrome; Neoplastic Syndromes, Hereditary; Hereditary neoplastic syndrome; Tumor predisposition. Identifiers: Orphanet 140162, MedGen C0027672, MeSH D009386, MONDO:0015356.
Hereditary breast ovarian cancer syndrome. Also called: Breast and ovarian cancer; Hereditary breast and/or ovarian cancer syndrome; Hereditary breast and ovarian cancer; Hereditary breast and ovarian cancer syndrome; Hereditary breast and ovarian cancer syndrome (HBOC); BRCA1- and BRCA2-Associated Hereditary Breast and Ovarian Cancer. Identifiers: Orphanet 145, MedGen C0677776, MeSH D061325, MONDO:0003582. Disease mechanism: loss of function.
Breast-ovarian cancer, familial, susceptibility to, 2 (BROVCA2). Also called: BRCA2 Hereditary Breast and Ovarian Cancer. Identifiers: Orphanet 145, MedGen C2675520, MONDO:0012933, OMIM 612555. Disease mechanism: loss of function.

Allele frequency attached by ClinVar (database versions not stated): gnomAD exomes below 0.00001.
gnomAD v4.1: 2 of 1,610,718 alleles (0.00012%); highest among the groups gnomAD compares: Non-Finnish European, 0.00017%; no homozygotes.

Submissions (6):

Ambry Genetics
Classification: Uncertain significance for Hereditary cancer-predisposing syndrome. Last evaluated: 2025-09-14. Review status: criteria provided, single submitter. Criteria: Ambry Variant Classification Scheme 2023. Collection method: clinical testing. Allele origin: germline.
Comment: The p.I3224V variant (also known as c.9670A>G), located in coding exon 26 of the BRCA2 gene, results from an A to G substitution at nucleotide position 9670. The isoleucine at codon 3224 is replaced by valine, an amino acid with highly similar properties. This amino acid position is poorly conserved in available vertebrate species. In addition, this alteration is predicted to be tolerated by in silico analysis. Since supporting evidence is limited at this time, the clinical significance of this alteration remains unclear.

Labcorp Genetics (formerly Invitae), Labcorp
Classification: Uncertain significance for Hereditary breast ovarian cancer syndrome. Last evaluated: 2025-07-31. Review status: criteria provided, single submitter. Criteria: Invitae Variant Classification Sherloc (09022015). Collection method: clinical testing. Allele origin: germline.
Comment: This sequence change replaces isoleucine, which is neutral and non-polar, with valine, which is neutral and non-polar, at codon 3224 of the BRCA2 protein (p.Ile3224Val). This variant is not present in population databases (gnomAD no frequency). This missense change has been observed in individual(s) with breast cancer (PMID: 35980532). ClinVar contains an entry for this variant (Variation ID: 96888). Invitae Evidence Modeling of protein sequence and biophysical properties (such as structural, functional, and spatial information, amino acid conservation, physicochemical variation, residue mobility, and thermodynamic stability) indicates that this missense variant is not expected to disrupt BRCA2 protein function with a negative predictive value of 95%. In summary, the available evidence is currently insufficient to determine the role of this variant in disease. Therefore, it has been classified as a Variant of Uncertain Significance.

All of Us Research Program, National Institutes of Health
Classification: Uncertain significance for Breast-ovarian cancer, familial, susceptibility to, 2. Last evaluated: 2023-08-15. Review status: criteria provided, single submitter. Criteria: ACMG Guidelines, 2015. Collection method: clinical testing. Allele origin: germline. Inheritance: Autosomal dominant inheritance. Observed: 1 variant allele, 1 heterozygote.
Comment: This missense variant replaces isoleucine with valine at codon 3224 of the BRCA2 protein. Computational prediction suggests that this variant may not impact protein structure and function (internally defined REVEL score threshold <= 0.5, PMID: 27666373). To our knowledge, functional studies have not been reported for this variant. This variant has not been reported in individuals affected with hereditary cancer in the literature. This variant has not been identified in the general population by the Genome Aggregation Database (gnomAD). The available evidence is insufficient to determine the role of this variant in disease conclusively. Therefore, this variant is classified as a Variant of Uncertain Significance.

This study involves interpretation of variants in research participants for the purpose of population health screening. Participant phenotype was not available at the time of variant classification. Additional details can be found in publication PMID: 35346344, PMCID: PMC8962531

Color Diagnostics, LLC DBA Color Health
Classification: Uncertain significance for Hereditary cancer-predisposing syndrome. Last evaluated: 2022-08-15. Review status: criteria provided, single submitter. Criteria: ACMG Guidelines, 2015. Collection method: clinical testing. Allele origin: germline.
Comment: This missense variant replaces isoleucine with valine at codon 3224 of the BRCA2 protein. Computational prediction suggests that this variant may not impact protein structure and function (internally defined REVEL score threshold <= 0.5, PMID: 27666373). To our knowledge, functional studies have not been reported for this variant. This variant has not been reported in individuals affected with hereditary cancer in the literature. This variant has not been identified in the general population by the Genome Aggregation Database (gnomAD). The available evidence is insufficient to determine the role of this variant in disease conclusively. Therefore, this variant is classified as a Variant of Uncertain Significance.

Quest Diagnostics Nichols Institute San Juan Capistrano
Classification: Uncertain significance. Last evaluated: 2021-05-17. Review status: criteria provided, single submitter. Criteria: Quest Diagnostics criteria. Collection method: clinical testing. Allele origin: unknown.

Sharing Clinical Reports Project (SCRP)
Classification: Uncertain significance for Breast-ovarian cancer, familial 2. Last evaluated: 2007-07-10. Review status: no assertion criteria provided. Collection method: clinical testing. Allele origin: germline. Not counted in ClinVar's aggregate classification.

Literature cited by the submitters: PubMed 35980532 (cited by Ambry Genetics and Labcorp Genetics (formerly Invitae), Labcorp).